The following is an entry in ClinVar:

NM_000038.6(APC):c.4857A>G (p.Pro1619=)

Gene: APC (APC regulator of Wnt signaling pathway; plus strand). Cytogenetic location: 5q22.2.
Variant type: single nucleotide variant.
Coding change: c.4857A>G on transcript NM_000038.6 (MANE Select); coding-DNA position 4857, A replaced by G.
Protein change: p.Pro1619=; no amino-acid change (proline 1619 retained).
Molecular consequence: synonymous variant.
Genome position (GRCh38, 1-based): chr5:112,840,451, A>G. VCF-style: chr5-112840451-A-G. GRCh37 (hg19) VCF-style: chr5-112176148-A-G.
Other names: c.4377A>G, p.Pro1459= (NM_001354905.2); c.4008A>G, p.Pro1336= (NM_001354906.2); c.4857A>G, p.Pro1619= (NM_001127510.3, NM_001354895.2); c.4803A>G, p.Pro1601= (NM_001127511.3); c.4911A>G, p.Pro1637= (NM_001354896.2); c.4887A>G, p.Pro1629= (NM_001354897.2); c.4782A>G, p.Pro1594= (NM_001354898.2); c.4773A>G, p.Pro1591= (NM_001354899.2); and 5 more.
Identifiers: ClinVar variation 416742 (VCV000416742.25), dbSNP rs564651232, ClinGen allele CA040015.

ClinVar aggregate classification (germline): Benign/Likely benign. Review status: criteria provided, multiple submitters, no conflicts (2 of 4 stars). 5 submissions from 5 submitters: Benign (1); Likely benign (4). Last evaluated 2025-03-04.

Conditions:
Hereditary cancer-predisposing syndrome. Also called: Tumor predisposition; Neoplastic Syndromes, Hereditary; Hereditary neoplastic syndrome; Hereditary Cancer Syndrome. Identifiers: Orphanet 140162, MedGen C0027672, MeSH D009386, MONDO:0015356.
Familial adenomatous polyposis 1 (FAP1). Also called: FAMILIAL ADENOMATOUS POLYPOSIS 1, ATTENUATED; POLYPOSIS, ADENOMATOUS INTESTINAL. Identifiers: MedGen C2713442, MONDO:0021056, OMIM 175100. Disease mechanism: loss of function.

Allele frequency attached by ClinVar (database versions not stated): gnomAD exomes below 0.00001; TOPMed below 0.00001; ExAC 0.00001; gnomAD 0.00001; 1000 Genomes Project 0.00020; 1000 Genomes Project 30x 0.00031.
gnomAD v4.1: 3 of 1,614,218 alleles (0.00019%); highest among the groups gnomAD compares: East Asian, 0.0022%; no homozygotes.

Submissions (5):

Center for Genomic Medicine, Rigshospitalet, Copenhagen University Hospital
Classification: Likely benign. Last evaluated: 2025-03-04. Review status: criteria provided, single submitter. Criteria: ACMG Guidelines, 2015. Collection method: clinical testing. Allele origin: germline.

Labcorp Genetics (formerly Invitae), Labcorp
Classification: Likely benign for Familial adenomatous polyposis 1. Last evaluated: 2025-01-25. Review status: criteria provided, single submitter. Criteria: Invitae Variant Classification Sherloc (09022015). Collection method: clinical testing. Allele origin: germline.

Myriad Genetics, Inc.
Classification: Benign for Familial adenomatous polyposis 1. Last evaluated: 2024-03-28. Review status: criteria provided, single submitter. Criteria: Myriad Autosomal Dominant, Autosomal Recessive and X-Linked Classification Criteria (2023). Collection method: clinical testing. Allele origin: unknown.
Comment: This variant is considered benign. This variant is a silent/synonymous amino acid change and it is not expected to impact splicing.

Color Diagnostics, LLC DBA Color Health
Classification: Likely benign for Hereditary cancer-predisposing syndrome. Last evaluated: 2019-01-07. Review status: criteria provided, single submitter. Criteria: ACMG Guidelines, 2015. Collection method: clinical testing. Allele origin: germline.

Ambry Genetics
Classification: Likely benign for Hereditary cancer-predisposing syndrome. Last evaluated: 2017-04-10. Review status: criteria provided, single submitter. Criteria: Ambry Variant Classification Scheme 2023. Collection method: clinical testing. Allele origin: germline.